The following is an entry in ClinVar:

NM_024675.3(PALB2):c.1685-?_2748+?dup

Gene: PALB2 (partner and localizer of BRCA2; minus strand).
Variant type: Duplication.
Coding change: c.1685-?_2748+?dup on transcript NM_024675.3.
Other names: c.1685-?_2748+?dup (LRG_308t1).
Identifiers: ClinVar variation 254050 (VCV000254050.2).

ClinVar aggregate classification (germline): Likely pathogenic (1 of 4 stars; one submission).

Conditions:
Familial cancer of breast. Also called: hereditary breast carcinoma; BREAST CANCER, FAMILIAL; Hereditary breast cancer. Identifiers: Orphanet 227535, MedGen C0346153, MONDO:0016419, OMIM 114480. Disease mechanism: loss of function.

Submission:

Labcorp Genetics (formerly Invitae), Labcorp
Classification: Likely pathogenic for Familial cancer of breast. Last evaluated: 2016-01-15. Review status: criteria provided, single submitter. Criteria: Invitae Variant Classification Sherloc (09022015). Collection method: clinical testing. Allele origin: germline.
Comment: This variant is a gross duplication of the genomic region encompassing exons 5-7 of the PALB2 gene. While the exact position of the duplicated exons cannot be determined from this data, the duplicated copy of this region is likely in tandem and may result in an absent or disrupted protein product. While gross duplications in PALB2 are known to be pathogenic (PMID: 24136930), this particular duplication has not been reported previously in the literature. For these reasons, this variant has been classified as Likely Pathogenic.